The following is an entry in ClinVar:

NM_000202.8(IDS):c.273C>G (p.Phe91Leu)

Gene: IDS (iduronate 2-sulfatase; minus strand). Cytogenetic location: Xq28.
Variant type: single nucleotide variant.
Coding change: c.273C>G on transcript NM_000202.8 (MANE Select); coding-DNA position 273, C replaced by G.
Protein change: p.Phe91Leu; replaces phenylalanine 91 with leucine.
Molecular consequence: missense variant. On other transcripts: non-coding transcript variant (1), intron variant (1).
Genome position (GRCh38, 1-based): chrX:149,503,457, G>C on the plus strand (C>G on the coding strand, the complement: IDS is on the minus strand). VCF-style: chrX-149503457-G-C. GRCh37 (hg19) VCF-style: chrX-148584987-G-C.
Other names: c.273C>G, p.Phe91Leu (NM_006123.5); c.15-12C>G (NM_001166550.4); short protein forms F91L.
Identifiers: ClinVar variation 2223308 (VCV002223308.3), dbSNP rs2520896951, ClinGen allele CA414526778.

ClinVar aggregate classification (germline): Uncertain significance (1 of 4 stars; one submission).

Conditions:
Inborn genetic diseases. Identifiers: MedGen C0950123, MeSH D030342.

Submission:

Ambry Genetics
Classification: Uncertain significance for Inborn genetic diseases. Last evaluated: 2026-01-25. Review status: criteria provided, single submitter. Criteria: Ambry Variant Classification Scheme 2023. Collection method: clinical testing. Allele origin: germline.
Comment: The p.F91L variant (also known as c.273C>G), located in coding exon 3 of the IDS gene, results from a C to G substitution at nucleotide position 273. The phenylalanine at codon 91 is replaced by leucine, an amino acid with highly similar properties. This amino acid position is conserved. In addition, the in silico prediction for this alteration is inconclusive. Based on the available evidence, the clinical significance of this variant remains unclear.